The following is an entry in ClinVar:

ClinVar aggregate classification (germline): Uncertain significance (1 of 4 stars; one submission).

Conditions:
Niemann-Pick disease, type C1. Also called: NIEMANN-PICK DISEASE, VARIANT TYPE C1; NEUROVISCERAL STORAGE DISEASE WITH VERTICAL SUPRANUCLEAR OPHTHALMOPLEGIA; NIEMANN-PICK DISEASE WITH CHOLESTEROL ESTERIFICATION BLOCK; NIEMANN-PICK DISEASE WITHOUT SPHINGOMYELINASE DEFICIENCY; NIEMANN-PICK DISEASE, CHRONIC NEURONOPATHIC FORM. Identifiers: Orphanet 646, MedGen C3179455, MONDO:0009757, OMIM 257220.

gnomAD v4.1: 1 of 1,614,198 alleles (0.000062%); highest among the groups gnomAD compares: Non-Finnish European, 0.000085%; no homozygotes.

Submission:

Labcorp Genetics (formerly Invitae), Labcorp
Classification: Uncertain significance for Niemann-Pick disease, type C1. Last evaluated: 2024-02-16. Review status: criteria provided, single submitter. Criteria: Invitae Variant Classification Sherloc (09022015). Collection method: clinical testing. Allele origin: germline.
Comment: This sequence change replaces isoleucine, which is neutral and non-polar, with phenylalanine, which is neutral and non-polar, at codon 837 of the NPC1 protein (p.Ile837Phe). This variant is not present in population databases (gnomAD no frequency). This variant has not been reported in the literature in individuals affected with NPC1-related conditions. ClinVar contains an entry for this variant (Variation ID: 1382773). Advanced modeling of protein sequence and biophysical properties (such as structural, functional, and spatial information, amino acid conservation, physicochemical variation, residue mobility, and thermodynamic stability) performed at Invitae indicates that this missense variant is not expected to disrupt NPC1 protein function with a negative predictive value of 95%. In summary, the available evidence is currently insufficient to determine the role of this variant in disease. Therefore, it has been classified as a Variant of Uncertain Significance.

NM_000271.5(NPC1):c.2509A>T (p.Ile837Phe)

Gene: NPC1 (NPC intracellular cholesterol transporter 1; minus strand). Cytogenetic location: 18q11.2.
Variant type: single nucleotide variant.
Coding change: c.2509A>T on transcript NM_000271.5 (MANE Select); coding-DNA position 2509, A replaced by T.
Protein change: p.Ile837Phe; replaces isoleucine 837 with phenylalanine.
Molecular consequence: missense variant.
Genome position (GRCh38, 1-based): chr18:23,541,073, T>A on the plus strand (A>T on the coding strand, the complement: NPC1 is on the minus strand). VCF-style: chr18-23541073-T-A. GRCh37 (hg19) VCF-style: chr18-21121037-T-A.
Other names: short protein forms I837F.
Identifiers: ClinVar variation 1382773 (VCV001382773.7), dbSNP rs756239485, ClinGen allele CA401793274.
Genomic context (GRCh38, chr18:23,541,073, plus strand): 5'-ATGTGATAATCTGTTTCAGTGAGAGGAAAGAGAAAAACCACAGATAAGCGCATACCACAA[T>A]TGGTCTCATCCAGTCCTTTAGCAGAAGTGGAGAATAGGAGTTTTTGAAGAAGCGAAACAA-3'
Protein context (NP_000262.2, residues 827-847): PLLLKDWMRP[Ile837Phe]VIAIFVGVLS